The following is an entry in ClinVar:

NM_000059.4(BRCA2):c.2243A>G (p.Tyr748Cys)

Gene: BRCA2 (BRCA2 DNA repair associated; plus strand). Cytogenetic location: 13q13.1.
Variant type: single nucleotide variant.
Coding change: c.2243A>G on transcript NM_000059.4 (MANE Select); coding-DNA position 2243, A replaced by G.
Protein change: p.Tyr748Cys; replaces tyrosine 748 with cysteine.
Molecular consequence: missense variant.
Genome position (GRCh38, 1-based): chr13:32,336,598, A>G. VCF-style: chr13-32336598-A-G. GRCh37 (hg19) VCF-style: chr13-32910735-A-G.
Other names: c.2243A>G, p.Tyr748Cys (NM_001406719.1, NM_001406720.1); short protein forms Y748C.
Identifiers: ClinVar variation 1788306 (VCV001788306.4), dbSNP rs2137484585, ClinGen allele CA387770842.

ClinVar aggregate classification (germline): Likely benign. Review status: criteria provided, multiple submitters, no conflicts (2 of 4 stars). 2 submissions from 2 submitters: Likely benign (2). Last evaluated 2023-03-23.

Conditions:
Hereditary cancer-predisposing syndrome. Also called: Neoplastic Syndromes, Hereditary; Tumor predisposition; Hereditary Cancer Syndrome; Hereditary neoplastic syndrome. Identifiers: Orphanet 140162, MedGen C0027672, MeSH D009386, MONDO:0015356.

Submissions (2):

University of Washington Department of Laboratory Medicine, University of Washington
Classification: Likely benign for Hereditary cancer-predisposing syndrome. Last evaluated: 2023-03-23. Review status: criteria provided, single submitter. Criteria: Dines et al. (Genet Med. 2020). Collection method: curation. Allele origin: germline.
Comment: Missense variant in a coldspot region where missense variants are very unlikely to be pathogenic (PMID:31911673).

BRCA2 exon 11 coldspot. Reclassification based on statistical prior probability.

Ambry Genetics
Classification: Likely benign for Hereditary cancer-predisposing syndrome. Last evaluated: 2020-01-14. Review status: criteria provided, single submitter. Criteria: Ambry Variant Classification Scheme 2023. Collection method: clinical testing. Allele origin: germline.